The following is an entry in ClinVar:

ClinVar aggregate classification (germline): Likely benign. Review status: criteria provided, multiple submitters, no conflicts (2 of 4 stars). 5 submissions from 4 submitters: Likely benign (5). Last evaluated 2025-12-21.

Conditions:
Inborn genetic diseases. Identifiers: MedGen C0950123, MeSH D030342.
Autosomal dominant nocturnal frontal lobe epilepsy 5. Also called: Epilepsy, nocturnal frontal lobe, 5; CILIARY DYSKINESIA, PRIMARY, 28, WITHOUT SITUS INVERSUS; CILIARY DYSKINESIA, PRIMARY, 28, WITH SITUS INVERSUS; KCNT1-Related Epilepsy. Identifiers: Orphanet 98784, MedGen C3554306, MONDO:0014002, OMIM 615005.
Developmental and epileptic encephalopathy, 14 (DEE14). Also called: Early infantile epileptic encephalopathy 14. Identifiers: Orphanet 293181, MedGen C3554195, MONDO:0013989, OMIM 614959.

Allele frequency attached by ClinVar (database versions not stated): gnomAD 0.00002 and 0.00003; gnomAD exomes 0.00004 and 0.00023; TOPMed 0.00006; ExAC 0.00019.
gnomAD v4.1: 56 of 1,572,906 alleles (0.0036%); highest among the groups gnomAD compares: Admixed American, 0.068%; no homozygotes.

Submissions (5):

Labcorp Genetics (formerly Invitae), Labcorp
Classification: Likely benign for Autosomal dominant nocturnal frontal lobe epilepsy 5; Developmental and epileptic encephalopathy, 14. Last evaluated: 2025-12-21. Review status: criteria provided, single submitter. Criteria: Invitae Variant Classification Sherloc (09022015). Collection method: clinical testing. Allele origin: germline.

Genome-Nilou Lab
Classification: Likely benign for Developmental and epileptic encephalopathy, 14. Last evaluated: 2022-03-15. Review status: criteria provided, single submitter. Criteria: ACMG Guidelines, 2015. Collection method: clinical testing. Allele origin: germline. Affected: no.

Genome-Nilou Lab
Classification: Likely benign for Autosomal dominant nocturnal frontal lobe epilepsy 5. Last evaluated: 2022-03-15. Review status: criteria provided, single submitter. Criteria: ACMG Guidelines, 2015. Collection method: clinical testing. Allele origin: germline. Affected: no.

Ambry Genetics
Classification: Likely benign for Inborn genetic diseases. Last evaluated: 2018-06-27. Review status: criteria provided, single submitter. Criteria: Ambry Variant Classification Scheme 2023. Collection method: clinical testing. Allele origin: germline.

GeneDx
Classification: Likely benign. Last evaluated: 2017-04-05. Review status: criteria provided, single submitter. Criteria: GeneDx Variant Classification (06012015). Collection method: clinical testing. Allele origin: germline. Affected: yes.
Comment: This variant is considered likely benign or benign based on one or more of the following criteria: it is a conservative change, it occurs at a poorly conserved position in the protein, it is predicted to be benign by multiple in silico algorithms, and/or has population frequency not consistent with disease.

NM_020822.3(KCNT1):c.3380C>T (p.Ala1127Val)

Gene: KCNT1 (potassium sodium-activated channel subfamily T member 1; plus strand). Cytogenetic location: 9q34.3.
Variant type: single nucleotide variant.
Coding change: c.3380C>T on transcript NM_020822.3 (MANE Select); coding-DNA position 3380, C replaced by T.
Protein change: p.Ala1127Val; replaces alanine 1127 with valine.
Molecular consequence: missense variant.
Genome position (GRCh38, 1-based): chr9:135,786,399, C>T. VCF-style: chr9-135786399-C-T. GRCh37 (hg19) VCF-style: chr9-138678245-C-T.
Other names: c.3245C>T, p.Ala1082Val (NM_001272003.2); short protein forms A1127V, A1082V.
Identifiers: ClinVar variation 473388 (VCV000473388.15), dbSNP rs774589071, ClinGen allele CA5327795.